The following is an entry in ClinVar:

NM_207118.3(GTF2H5):c.125A>G (p.His42Arg)

Gene: GTF2H5 (general transcription factor IIH subunit 5; plus strand). Cytogenetic location: 6q25.3.
Variant type: single nucleotide variant.
Coding change: c.125A>G on transcript NM_207118.3 (MANE Select); coding-DNA position 125, A replaced by G.
Protein change: p.His42Arg; replaces histidine 42 with arginine.
Molecular consequence: missense variant.
Genome position (GRCh38, 1-based): chr6:158,192,066, A>G. VCF-style: chr6-158192066-A-G. GRCh37 (hg19) VCF-style: chr6-158613098-A-G.
Other names: short protein forms H42R.
Identifiers: ClinVar variation 1365534 (VCV001365534.7), dbSNP rs1166843968, ClinGen allele CA366253487.
Genomic context (GRCh38, chr6:158,192,066, plus strand): 5'-ACTTGGATGAGTCCAATGCCCTGGGGAAGAAGTTCATCATTCAAGACATTGATGACACTC[A>G]CGTCTTTGTAATAGCAGAATTGGTTAATGTCCTCCAGGAGCGAGTGGGTGAATTAATGGA-3'
Protein context (NP_997001.1, residues 32-52): KFIIQDIDDT[His42Arg]VFVIAELVNV

ClinVar aggregate classification (germline): Uncertain significance (1 of 4 stars; one submission).

Allele frequency attached by ClinVar (database versions not stated): gnomAD 0.00002; TOPMed 0.00002; gnomAD exomes 0.00001.
gnomAD v4.1: 12 of 1,613,458 alleles (0.00074%); highest among the groups gnomAD compares: African/African-American, 0.0013%; no homozygotes.

Submission:

Labcorp Genetics (formerly Invitae), Labcorp
Classification: Uncertain significance. Last evaluated: 2021-01-19. Review status: criteria provided, single submitter. Criteria: Invitae Variant Classification Sherloc (09022015). Collection method: clinical testing. Allele origin: germline.
Comment: This sequence change replaces histidine with arginine at codon 42 of the GTF2H5 protein (p.His42Arg). The histidine residue is highly conserved and there is a small physicochemical difference between histidine and arginine. This variant is not present in population databases (ExAC no frequency). This variant has not been reported in the literature in individuals with GTF2H5-related conditions. Algorithms developed to predict the effect of missense changes on protein structure and function (SIFT, PolyPhen-2, Align-GVGD) all suggest that this variant is likely to be disruptive, but these predictions have not been confirmed by published functional studies and their clinical significance is uncertain. In summary, the available evidence is currently insufficient to determine the role of this variant in disease. Therefore, it has been classified as a Variant of Uncertain Significance.